The following is an entry in ClinVar:

ClinVar aggregate classification (germline): Pathogenic (1 of 4 stars; one submission).

Allele frequency attached by ClinVar (database versions not stated): gnomAD 0.00001; gnomAD exomes 0.00001; TOPMed 0.00001.

Submission:

Labcorp Genetics (formerly Invitae), Labcorp
Classification: Pathogenic. Last evaluated: 2023-01-13. Review status: criteria provided, single submitter. Criteria: Invitae Variant Classification Sherloc (09022015). Collection method: clinical testing. Allele origin: germline.
Comment: This sequence change creates a premature translational stop signal (p.Gln303Thrfs*3) in the CEP152 gene. It is expected to result in an absent or disrupted protein product. Loss-of-function variants in CEP152 are known to be pathogenic (PMID: 21131973). This variant is present in population databases (no rsID available, gnomAD 0.0009%). This variant has not been reported in the literature in individuals affected with CEP152-related conditions. For these reasons, this variant has been classified as Pathogenic.

Literature cited by the submitters: PubMed 21131973.

NM_001194998.2(CEP152):c.906dup (p.Gln303fs)

Gene: CEP152 (centrosomal protein 152; minus strand). Cytogenetic location: 15q21.1.
Variant type: Duplication.
Coding change: c.906dup on transcript NM_001194998.2 (MANE Select); coding-DNA position 906, one base duplicated (A; older notation c.906dupA).
Protein change: p.Gln303fs; shifts the reading frame from glutamine 303.
Molecular consequence: frameshift variant.
Genome position (GRCh38, 1-based): chr15:48,791,303, T duplicated on the plus strand (A on the coding strand, the reverse complement: CEP152 is on the minus strand). VCF-style (leftmost placement, unchanged base first): chr15-48791302-G-GT. GRCh37 (hg19) VCF-style: chr15-49083499-G-GT.
Other names: c.906dup, p.Gln303fs (NM_014985.4); short protein forms Q303fs.
Identifiers: ClinVar variation 2955591 (VCV002955591.3), dbSNP rs1426607594, ClinGen allele CA617841130.